The following is an entry in ClinVar:

ClinVar aggregate classification (germline): Pathogenic (1 of 4 stars; one submission).

Submission:

Labcorp Genetics (formerly Invitae), Labcorp
Classification: Pathogenic. Last evaluated: 2023-12-08. Review status: criteria provided, single submitter. Criteria: Invitae Variant Classification Sherloc (09022015). Collection method: clinical testing. Allele origin: germline.
Comment: This sequence change creates a premature translational stop signal (p.Gln724*) in the VLDLR gene. It is expected to result in an absent or disrupted protein product. Loss-of-function variants in VLDLR are known to be pathogenic (PMID: 18043714, 18326629, 22532556). This variant is not present in population databases (gnomAD no frequency). This variant has not been reported in the literature in individuals affected with VLDLR-related conditions. For these reasons, this variant has been classified as Pathogenic.

Literature cited by the submitters: PubMed 18043714; PubMed 18326629; PubMed 22532556.

NM_003383.5(VLDLR):c.2170C>T (p.Gln724Ter)

Gene: VLDLR (very low density lipoprotein receptor; plus strand). Cytogenetic location: 9p24.2.
Variant type: single nucleotide variant.
Coding change: c.2170C>T on transcript NM_003383.5 (MANE Select); coding-DNA position 2170, C replaced by T.
Protein change: p.Gln724Ter; replaces glutamine 724 with a stop codon.
Molecular consequence: nonsense.
Genome position (GRCh38, 1-based): chr9:2,650,435, C>T. VCF-style: chr9-2650435-C-T. GRCh37 (hg19) VCF-style: chr9-2650435-C-T.
Other names: c.2047C>T, p.Gln683Ter (NM_001322226.2, NM_001322225.2); c.2170C>T, p.Gln724Ter (NM_001018056.3); short protein forms Q683*, Q724*.
Identifiers: ClinVar variation 2999329 (VCV002999329.3), dbSNP rs953361030, ClinGen allele CA372800186.
Genomic context (GRCh38, chr9:2,650,435, plus strand): 5'-AATTGGTGTGAAGAAGACATGGAGAATGGAGGATGTGAATACCTATGCCTGCCAGCACCA[C>T]AGATTAATGATCACTCTCCAAAATATACCTGTTCCTGTCCCAGTGGGTACAATGTAGAGG-3'